The following is an entry in ClinVar:

ClinVar aggregate classification (germline): Conflicting classifications of pathogenicity. Review status: criteria provided, conflicting classifications (1 of 4 stars). 2 submissions from 2 submitters: Pathogenic (1); Uncertain significance (1). Last evaluated 2025-09-26.

Allele frequency attached by ClinVar (database versions not stated): gnomAD exomes 0.00001; TOPMed below 0.00001; gnomAD 0.00001.
gnomAD v4.1: 15 of 1,574,826 alleles (0.00095%); highest among the groups gnomAD compares: Non-Finnish European, 0.0013%; no homozygotes.

Submissions (2):

GeneDx
Classification: Uncertain significance. Last evaluated: 2025-09-26. Review status: criteria provided, single submitter. Criteria: GeneDx Variant Classification Process June 2021. Collection method: clinical testing. Allele origin: germline.
Comment: Nonsense variant predicted to result in protein truncation or nonsense mediated decay in a gene or region of a gene for which loss of function is not a well-established mechanism of disease; Not observed at significant frequency in large population cohorts (gnomAD); Has not been previously published as pathogenic or benign to our knowledge

Labcorp Genetics (formerly Invitae), Labcorp
Classification: Pathogenic. Last evaluated: 2022-08-18. Review status: criteria provided, single submitter. Criteria: Invitae Variant Classification Sherloc (09022015). Collection method: clinical testing. Allele origin: germline.
Comment: This sequence change creates a premature translational stop signal (p.Gln332*) in the CEACAM16 gene. It is expected to result in an absent or disrupted protein product. Loss-of-function variants in CEACAM16 are known to be pathogenic (PMID: 29703829, 30514912). This variant is not present in population databases (gnomAD no frequency). This variant has not been reported in the literature in individuals affected with CEACAM16-related conditions. ClinVar contains an entry for this variant (Variation ID: 1456341). For these reasons, this variant has been classified as Pathogenic.

Literature cited by the submitters: PubMed 29703829 (cited by Labcorp Genetics (formerly Invitae), Labcorp); PubMed 30514912 (cited by Labcorp Genetics (formerly Invitae), Labcorp).

NM_001039213.4(CEACAM16):c.994C>T (p.Gln332Ter)

Genes: CEACAM16 (CEA cell adhesion molecule 16, tectorial membrane component; plus strand), CEACAM16-AS1 (CEACAM16, CEACAM19 and PVR antisense RNA 1; minus strand). Cytogenetic location: 19q13.32.
Variant type: single nucleotide variant.
Coding change: c.994C>T on transcript NM_001039213.4 (MANE Select); coding-DNA position 994, C replaced by T.
Protein change: p.Gln332Ter; replaces glutamine 332 with a stop codon.
Molecular consequence: nonsense.
Genome position (GRCh38, 1-based): chr19:44,707,914, C>T. VCF-style: chr19-44707914-C-T. GRCh37 (hg19) VCF-style: chr19-45211186-C-T.
Other names: c.994C>T (NM_001039213.3); short protein forms Q332*.
Identifiers: ClinVar variation 1456341 (VCV001456341.8), dbSNP rs1948141206, ClinGen allele CA406293098.
Genomic context (GRCh38, chr19:44,707,914, plus strand): 5'-TCCCCAGCTGCAGCAGTTGCCACGATGATCGTGCCCGTGCCCACCAAGCCAACGGAGGGC[C>T]AGGACGTAACACTGACCGTGCAGGGCTACCCCAAGGACCTGCTGGTCTACGCCTGGTACC-3'